The following is an entry in ClinVar:

NM_004738.5(VAPB):c.610A>G (p.Ser204Gly)

Gene: VAPB (VAMP associated protein B and C; plus strand). Cytogenetic location: 20q13.32.
Variant type: single nucleotide variant.
Coding change: c.610A>G on transcript NM_004738.5 (MANE Select); coding-DNA position 610, A replaced by G.
Protein change: p.Ser204Gly; replaces serine 204 with glycine.
Molecular consequence: missense variant. On other transcripts: non-coding transcript variant (1).
Genome position (GRCh38, 1-based): chr20:58,444,113, A>G. VCF-style: chr20-58444113-A-G. GRCh37 (hg19) VCF-style: chr20-57019169-A-G.
Other names: c.248A>G, p.Glu83Gly (NM_001195677.2); short protein forms E83G, S204G.
Identifiers: ClinVar variation 1718163 (VCV001718163.5), dbSNP rs2516071009, ClinGen allele CA409440139.

ClinVar aggregate classification (germline): Uncertain significance (1 of 4 stars; one submission).

Conditions:
Amyotrophic lateral sclerosis type 8 (ALS8). Identifiers: Orphanet 803, MedGen C1837728, MONDO:0012077, OMIM 608627.
Adult-onset proximal spinal muscular atrophy, autosomal dominant. Also called: Spinal muscular atrophy, late-onset, finkel type; FINKEL LATE-ADULT TYPE SMA. Identifiers: Orphanet 209335, MedGen C1854058, MONDO:0008453, OMIM 182980.

Submission:

Labcorp Genetics (formerly Invitae), Labcorp
Classification: Uncertain significance for Adult-onset proximal spinal muscular atrophy, autosomal dominant; Amyotrophic lateral sclerosis type 8. Last evaluated: 2022-08-27. Review status: criteria provided, single submitter. Criteria: Invitae Variant Classification Sherloc (09022015). Collection method: clinical testing. Allele origin: germline.
Comment: This sequence change replaces serine, which is neutral and polar, with glycine, which is neutral and non-polar, at codon 204 of the VAPB protein (p.Ser204Gly). This variant is not present in population databases (gnomAD no frequency). This variant has not been reported in the literature in individuals affected with VAPB-related conditions. Algorithms developed to predict the effect of missense changes on protein structure and function are either unavailable or do not agree on the potential impact of this missense change (SIFT: "Not Available"; PolyPhen-2: "Benign"; Align-GVGD: "Not Available"). Algorithms developed to predict the effect of sequence changes on RNA splicing suggest that this variant may disrupt the consensus splice site. In summary, the available evidence is currently insufficient to determine the role of this variant in disease. Therefore, it has been classified as a Variant of Uncertain Significance.